The following is an entry in ClinVar:

NM_000875.5(IGF1R):c.2570A>G (p.Asn857Ser)

Gene: IGF1R (insulin like growth factor 1 receptor; plus strand). Cytogenetic location: 15q26.3.
Variant type: single nucleotide variant.
Coding change: c.2570A>G on transcript NM_000875.5 (MANE Select); coding-DNA position 2570, A replaced by G.
Protein change: p.Asn857Ser; replaces asparagine 857 with serine.
Molecular consequence: missense variant.
Genome position (GRCh38, 1-based): chr15:98,923,960, A>G. VCF-style: chr15-98923960-A-G. GRCh37 (hg19) VCF-style: chr15-99467189-A-G.
Other names: c.2570A>G, p.Asn857Ser (NM_001291858.2); short protein forms N857S.
Identifiers: ClinVar variation 284292 (VCV000284292.43), dbSNP rs45611935, ClinGen allele CA7752430.

ClinVar aggregate classification (germline): Benign/Likely benign. Review status: criteria provided, multiple submitters, no conflicts (2 of 4 stars). 5 submissions from 5 submitters: Benign (4); Likely benign (1). Last evaluated 2026-01-19.

Conditions:
Growth delay due to insulin-like growth factor I resistance. Also called: IGF-I RESISTANCE; Somatomedin end-organ insensitivity to; Somatomedin-c resistance to; IGF-1 resistance; Insulin-Like Growth Factor I Resistance. Identifiers: Orphanet 73273, MedGen C1849157, MONDO:0010038, OMIM 270450.

Allele frequency attached by ClinVar (database versions not stated): ESP Exome Variant Server 0.00008; gnomAD 0.00067; TOPMed 0.00131; 1000 Genomes Project 30x 0.00406; 1000 Genomes Project 0.00479.
gnomAD v4.1: 1,105 of 1,614,050 alleles (0.068%); highest among the groups gnomAD compares: East Asian, 1.7%; 13 homozygotes.

Submissions (5):

Labcorp Genetics (formerly Invitae), Labcorp
Classification: Benign. Last evaluated: 2026-01-19. Review status: criteria provided, single submitter. Criteria: Invitae Variant Classification Sherloc (09022015). Collection method: clinical testing. Allele origin: germline.

CeGaT Center for Human Genetics Tuebingen
Classification: Benign. Last evaluated: 2022-10-01. Review status: criteria provided, single submitter. Criteria: CeGaT Center For Human Genetics Tuebingen Variant Classification Criteria Version 2. Collection method: clinical testing. Allele origin: germline. Affected: yes. Observed: 1 variant allele.
Comment: IGF1R: BS1, BS2

GeneDx
Classification: Likely benign. Last evaluated: 2022-01-13. Review status: criteria provided, single submitter. Criteria: GeneDx Variant Classification Process June 2021. Collection method: clinical testing. Allele origin: germline. Affected: yes.
Comment: See Variant Classification Assertion Criteria.

Illumina Laboratory Services, Illumina
Classification: Benign for Growth delay due to insulin-like growth factor I resistance. Last evaluated: 2017-04-27. Review status: criteria provided, single submitter. Criteria: ICSL Variant Classification Criteria 13 December 2019. Collection method: clinical testing. Allele origin: germline.
Comment: This variant was observed as part of a predisposition screen in an ostensibly healthy population. A literature search was performed for the gene, cDNA change, and amino acid change (where applicable). Publications were found based on this search. The evidence from the literature, in combination with allele frequency data from public databases where available, was sufficient to rule this variant out of causing disease. Therefore, this variant is classified as benign.

Eurofins Ntd Llc (ga)
Classification: Benign. Last evaluated: 2015-11-05. Review status: criteria provided, single submitter. Criteria: EGL Classification Definitions 2015. Collection method: clinical testing. Allele origin: germline. Observed: 1 variant allele, 1 heterozygote.

Literature cited by the submitters: PubMed 20625407 (cited by Illumina Laboratory Services, Illumina); PubMed 23164529 (cited by Illumina Laboratory Services, Illumina).